The following is an entry in ClinVar:

ClinVar aggregate classification (germline): Uncertain significance. Review status: criteria provided, multiple submitters, no conflicts (2 of 4 stars). 2 submissions from 2 submitters: Uncertain significance (2). Last evaluated 2024-10-17.

Conditions:
Muscular dystrophy-dystroglycanopathy (congenital with brain and eye anomalies), type a, 8 (MDDGA8). Also called: WALKER-WARBURG SYNDROME OR MUSCLE-EYE-BRAIN DISEASE, GTDC2-RELATED. Identifiers: Orphanet 899, MedGen C3553813, MONDO:0013904, OMIM 614830.
Inborn genetic diseases. Identifiers: MedGen C0950123, MeSH D030342.

Allele frequency attached by ClinVar (database versions not stated): ExAC 0.00004; gnomAD exomes 0.00005 and 0.00007; gnomAD 0.00013 and 0.00016; TOPMed 0.00017; ESP Exome Variant Server 0.00031.

Submissions (2):

Labcorp Genetics (formerly Invitae), Labcorp
Classification: Uncertain significance for Muscular dystrophy-dystroglycanopathy (congenital with brain and eye anomalies), type a, 8. Last evaluated: 2024-10-17. Review status: criteria provided, single submitter. Criteria: Invitae Variant Classification Sherloc (09022015). Collection method: clinical testing. Allele origin: germline.
Comment: This sequence change replaces valine, which is neutral and non-polar, with methionine, which is neutral and non-polar, at codon 464 of the POMGNT2 protein (p.Val464Met). This variant is present in population databases (rs150901131, gnomAD 0.05%). This variant has not been reported in the literature in individuals affected with POMGNT2-related conditions. ClinVar contains an entry for this variant (Variation ID: 641229). Invitae Evidence Modeling of protein sequence and biophysical properties (such as structural, functional, and spatial information, amino acid conservation, physicochemical variation, residue mobility, and thermodynamic stability) indicates that this missense variant is not expected to disrupt POMGNT2 protein function with a negative predictive value of 80%. In summary, the available evidence is currently insufficient to determine the role of this variant in disease. Therefore, it has been classified as a Variant of Uncertain Significance.

Ambry Genetics
Classification: Uncertain significance for Inborn genetic diseases. Last evaluated: 2021-07-14. Review status: criteria provided, single submitter. Criteria: Ambry Variant Classification Scheme 2023. Collection method: clinical testing. Allele origin: germline.

NM_032806.6(POMGNT2):c.1390G>A (p.Val464Met)

Gene: POMGNT2 (protein O-linked mannose N-acetylglucosaminyltransferase 2 (beta 1,4-); minus strand). Cytogenetic location: 3p22.1.
Variant type: single nucleotide variant.
Coding change: c.1390G>A on transcript NM_032806.6 (MANE Select); coding-DNA position 1390, G replaced by A.
Protein change: p.Val464Met; replaces valine 464 with methionine.
Molecular consequence: missense variant.
Genome position (GRCh38, 1-based): chr3:43,080,042, C>T on the plus strand (G>A on the coding strand, the complement: POMGNT2 is on the minus strand). VCF-style: chr3-43080042-C-T. GRCh37 (hg19) VCF-style: chr3-43121534-C-T.
Other names: c.1390G>A (NM_032806.4); short protein forms V464M.
Identifiers: ClinVar variation 641229 (VCV000641229.6), dbSNP rs150901131, ClinGen allele CA2339855.